The following is an entry in ClinVar:

ClinVar aggregate classification (germline): Uncertain significance (1 of 4 stars; one submission).

Conditions:
Spastic paraplegia. Identifiers: MedGen C0037772, HP:0001258.

Submission:

Labcorp Genetics (formerly Invitae), Labcorp
Classification: Uncertain significance for Spastic paraplegia. Last evaluated: 2024-11-21. Review status: criteria provided, single submitter. Criteria: Invitae Variant Classification Sherloc (09022015). Collection method: clinical testing. Allele origin: germline.
Comment: This sequence change replaces alanine, which is neutral and non-polar, with aspartic acid, which is acidic and polar, at codon 673 of the KIF5A protein (p.Ala673Asp). This variant is not present in population databases (gnomAD no frequency). This variant has not been reported in the literature in individuals affected with KIF5A-related conditions. Invitae Evidence Modeling of protein sequence and biophysical properties (such as structural, functional, and spatial information, amino acid conservation, physicochemical variation, residue mobility, and thermodynamic stability) indicates that this missense variant is not expected to disrupt KIF5A protein function with a negative predictive value of 95%. In summary, the available evidence is currently insufficient to determine the role of this variant in disease. Therefore, it has been classified as a Variant of Uncertain Significance.

NM_004984.4(KIF5A):c.2018C>A (p.Ala673Asp)

Gene: KIF5A (kinesin family member 5A; plus strand). Cytogenetic location: 12q13.3.
Variant type: single nucleotide variant.
Coding change: c.2018C>A on transcript NM_004984.4 (MANE Select); coding-DNA position 2018, C replaced by A.
Protein change: p.Ala673Asp; replaces alanine 673 with aspartic acid.
Molecular consequence: missense variant.
Genome position (GRCh38, 1-based): chr12:57,575,752, C>A. VCF-style: chr12-57575752-C-A. GRCh37 (hg19) VCF-style: chr12-57969535-C-A.
Other names: c.1751C>A, p.Ala584Asp (NM_001354705.2); short protein forms A673D, A584D.
Identifiers: ClinVar variation 3637617 (VCV003637617.2).